The following is an entry in ClinVar:

NM_006017.3(PROM1):c.1784G>A (p.Ser595Asn)

Gene: PROM1 (prominin 1; minus strand). Cytogenetic location: 4p15.32.
Variant type: single nucleotide variant.
Coding change: c.1784G>A on transcript NM_006017.3 (MANE Select); coding-DNA position 1784, G replaced by A.
Protein change: p.Ser595Asn; replaces serine 595 with asparagine.
Molecular consequence: missense variant.
Genome position (GRCh38, 1-based): chr4:15,992,375, C>T on the plus strand (G>A on the coding strand, the complement: PROM1 is on the minus strand). VCF-style: chr4-15992375-C-T. GRCh37 (hg19) VCF-style: chr4-15993998-C-T.
Other names: c.1757G>A, p.Ser586Asn (NM_001145847.2, NM_001145848.2, NM_001145851.2 and 4 more transcripts); c.1784G>A, p.Ser595Asn (NM_001145849.2, NM_001145850.2); short protein forms S586N, S595N.
Identifiers: ClinVar variation 1046080 (VCV001046080.8), dbSNP rs1721282660, ClinGen allele CA356431032.
Genomic context (GRCh38, chr4:15,992,375, plus strand): 5'-CTTCCTGCTGCACCCAACAGAAAGATATTAAGATTTACCTTCAGACTTTCCAATTCACTG[C>T]TTATGCTTCCAGTATGCTGCGAAAAAAGGAAGTTACAAATCAGTCCCTTATTCTCCAAGA-3'
Protein context (NP_006008.1, residues 585-605): LNINEHTGSI[Ser595Asn]SELESLKVNL

ClinVar aggregate classification (germline): Uncertain significance (1 of 4 stars; one submission).

Allele frequency attached by ClinVar (database versions not stated): gnomAD exomes below 0.00001; TOPMed 0.00001.
gnomAD v4.1: 1 of 1,613,634 alleles (0.000062%); highest among the groups gnomAD compares: East Asian, 0.0022%; no homozygotes.

Submission:

Labcorp Genetics (formerly Invitae), Labcorp
Classification: Uncertain significance. Last evaluated: 2020-07-01. Review status: criteria provided, single submitter. Criteria: Invitae Variant Classification Sherloc (09022015). Collection method: clinical testing. Allele origin: germline.
Comment: In summary, the available evidence is currently insufficient to determine the role of this variant in disease. Therefore, it has been classified as a Variant of Uncertain Significance. Algorithms developed to predict the effect of missense changes on protein structure and function output the following: SIFT: "Tolerated"; PolyPhen-2: "Benign"; Align-GVGD: "Class C0". The asparagine amino acid residue is found in multiple mammalian species, suggesting that this missense change does not adversely affect protein function. These predictions have not been confirmed by published functional studies and their clinical significance is uncertain. This variant has not been reported in the literature in individuals with PROM1-related conditions. This variant is not present in population databases (ExAC no frequency). This sequence change replaces serine with asparagine at codon 595 of the PROM1 protein (p.Ser595Asn). The serine residue is weakly conserved and there is a small physicochemical difference between serine and asparagine.